The following is an entry in ClinVar:

ClinVar aggregate classification (germline): Uncertain significance. Review status: criteria provided, multiple submitters, no conflicts (2 of 4 stars). 3 submissions from 3 submitters: Uncertain significance (3). Last evaluated 2024-09-30.

Conditions:
Hereditary cancer-predisposing syndrome. Also called: Neoplastic Syndromes, Hereditary; Tumor predisposition; Hereditary Cancer Syndrome; Hereditary neoplastic syndrome. Identifiers: Orphanet 140162, MedGen C0027672, MeSH D009386, MONDO:0015356.
Familial cancer of breast. Also called: BREAST CANCER, FAMILIAL; hereditary breast carcinoma; Hereditary breast cancer. Identifiers: Orphanet 227535, MedGen C0346153, MONDO:0016419, OMIM 114480. Disease mechanism: loss of function.

Allele frequency attached by ClinVar (database versions not stated): gnomAD exomes 0.00001.
gnomAD v4.1: 5 of 1,614,058 alleles (0.00031%); highest among the groups gnomAD compares: Non-Finnish European, 0.00042%; no homozygotes.

Submissions (3):

Labcorp Genetics (formerly Invitae), Labcorp
Classification: Uncertain significance for Familial cancer of breast. Last evaluated: 2024-09-30. Review status: criteria provided, single submitter. Criteria: Invitae Variant Classification Sherloc (09022015). Collection method: clinical testing. Allele origin: germline.
Comment: This sequence change replaces glutamic acid, which is acidic and polar, with aspartic acid, which is acidic and polar, at codon 599 of the BARD1 protein (p.Glu599Asp). This variant is not present in population databases (gnomAD no frequency). This variant has not been reported in the literature in individuals affected with BARD1-related conditions. ClinVar contains an entry for this variant (Variation ID: 921467). An algorithm developed to predict the effect of missense changes on protein structure and function (PolyPhen-2) suggests that this variant is likely to be tolerated. In summary, the available evidence is currently insufficient to determine the role of this variant in disease. Therefore, it has been classified as a Variant of Uncertain Significance.

Ambry Genetics
Classification: Uncertain significance for Hereditary cancer-predisposing syndrome. Last evaluated: 2024-04-19. Review status: criteria provided, single submitter. Criteria: Ambry Variant Classification Scheme 2023. Collection method: clinical testing. Allele origin: germline.
Comment: The p.E599D variant (also known as c.1797G>T), located in coding exon 8 of the BARD1 gene, results from a G to T substitution at nucleotide position 1797. The glutamic acid at codon 599 is replaced by aspartic acid, an amino acid with highly similar properties. This amino acid position is conserved. In addition, this alteration is predicted to be tolerated by in silico analysis. Since supporting evidence is limited at this time, the clinical significance of this alteration remains unclear.

Color Diagnostics, LLC DBA Color Health
Classification: Uncertain significance for Hereditary cancer-predisposing syndrome. Last evaluated: 2023-12-04. Review status: criteria provided, single submitter. Criteria: ACMG Guidelines, 2015. Collection method: clinical testing. Allele origin: germline.
Comment: This missense variant replaces glutamic acid with aspartic acid at codon 599 of the BARD1 protein. Computational prediction suggests that this variant may not impact protein structure and function (internally defined REVEL score threshold <= 0.5, PMID: 27666373). To our knowledge, functional studies have not been reported for this variant. This variant has not been reported in individuals affected with BARD1-related disorders in the literature. This variant has not been identified in the general population by the Genome Aggregation Database (gnomAD). The available evidence is insufficient to determine the role of this variant in disease conclusively. Therefore, this variant is classified as a Variant of Uncertain Significance.

NM_000465.4(BARD1):c.1797G>T (p.Glu599Asp)

Gene: BARD1 (BRCA1 associated RING domain 1; minus strand). Cytogenetic location: 2q35.
Variant type: single nucleotide variant.
Coding change: c.1797G>T on transcript NM_000465.4 (MANE Select); coding-DNA position 1797, G replaced by T.
Protein change: p.Glu599Asp; replaces glutamic acid 599 with aspartic acid.
Molecular consequence: missense variant. On other transcripts: non-coding transcript variant (3), intron variant (1).
Genome position (GRCh38, 1-based): chr2:214,745,735, C>A on the plus strand (G>T on the coding strand, the complement: BARD1 is on the minus strand). VCF-style: chr2-214745735-C-A. GRCh37 (hg19) VCF-style: chr2-215610459-C-A.
Other names: c.1740G>T, p.Glu580Asp (NM_001282543.2); c.444G>T, p.Glu148Asp (NM_001282545.2); c.387G>T, p.Glu129Asp (NM_001282548.2); c.365-15227G>T (NM_001282549.2); c.1797G>T (NM_000465.2); short protein forms E599D, E148D, E580D, E129D.
Identifiers: ClinVar variation 921467 (VCV000921467.10), dbSNP rs1317068399, ClinGen allele CA350452548.